The following is an entry in ClinVar:

ClinVar aggregate classification (germline): Uncertain significance (1 of 4 stars; one submission).

Conditions:
DICER1-related tumor predisposition. Also called: DICER1 syndrome; DICER1-related pleuropulmonary blastoma cancer predisposition syndrome. Identifiers: Orphanet 284343, MedGen C3839822, MONDO:0100216.

Allele frequency attached by ClinVar (database versions not stated): gnomAD 0.00001; 1000 Genomes Project 30x 0.00016; 1000 Genomes Project 0.00020.
gnomAD v4.1: 1 of 1,613,992 alleles (0.000062%); highest among the groups gnomAD compares: South Asian, 0.0011%; no homozygotes.

Submission:

Labcorp Genetics (formerly Invitae), Labcorp
Classification: Uncertain significance for DICER1-related tumor predisposition. Last evaluated: 2025-04-07. Review status: criteria provided, single submitter. Criteria: Invitae Variant Classification Sherloc (09022015). Collection method: clinical testing. Allele origin: germline.
Comment: This sequence change replaces aspartic acid, which is acidic and polar, with glycine, which is neutral and non-polar, at codon 468 of the DICER1 protein (p.Asp468Gly). This variant is not present in population databases (gnomAD no frequency). This variant has not been reported in the literature in individuals affected with DICER1-related conditions. ClinVar contains an entry for this variant (Variation ID: 2112740). Invitae Evidence Modeling of protein sequence and biophysical properties (such as structural, functional, and spatial information, amino acid conservation, physicochemical variation, residue mobility, and thermodynamic stability) has been performed for this missense variant. However, the output from this modeling did not meet the statistical confidence thresholds required to predict the impact of this variant on DICER1 protein function. In summary, the available evidence is currently insufficient to determine the role of this variant in disease. Therefore, it has been classified as a Variant of Uncertain Significance.

NM_177438.3(DICER1):c.1403A>G (p.Asp468Gly)

Gene: DICER1 (dicer 1, ribonuclease III; minus strand). Cytogenetic location: 14q32.13.
Variant type: single nucleotide variant.
Coding change: c.1403A>G on transcript NM_177438.3 (MANE Select); coding-DNA position 1403, A replaced by G.
Protein change: p.Asp468Gly; replaces aspartic acid 468 with glycine.
Molecular consequence: missense variant. On other transcripts: 5 prime UTR variant (1), non-coding transcript variant (6).
Genome position (GRCh38, 1-based): chr14:95,117,728, T>C on the plus strand (A>G on the coding strand, the complement: DICER1 is on the minus strand). VCF-style: chr14-95117728-T-C. GRCh37 (hg19) VCF-style: chr14-95584065-T-C.
Other names: c.1403A>G, p.Asp468Gly (NM_001195573.1, NM_001271282.3, NM_001291628.2 and 13 more transcripts); c.1121A>G, p.Asp374Gly (NM_001395686.1); c.998A>G, p.Asp333Gly (NM_001395687.1, NM_001395688.1, NM_001395689.1 and 3 more transcripts); c.836A>G, p.Asp279Gly (NM_001395691.1); c.-166A>G (NM_001395697.1); short protein forms D279G, D333G, D374G, D468G.
Identifiers: ClinVar variation 2112740 (VCV002112740.4), dbSNP rs536815965, ClinGen allele CA265917347.
Genomic context (GRCh38, chr14:95,117,728, plus strand): 5'-TGATTCTTCCCAATGCCATGTCCAGTTATGAAATTGCTACTGATATAAGCCAGCTCTGGA[T>C]CTTGTTTGCCAGCTTCCTTTATCAATCTAAGAAAATTATACACATTTGGAAGTTAAACGT-3'
Protein context (NP_803187.1, residues 458-478): NRLIKEAGKQ[Asp468Gly]PELAYISSNF